The following is an entry in ClinVar:

NM_001374736.1(DST):c.2891A>G (p.Glu964Gly)

Gene: DST (dystonin; minus strand). Cytogenetic location: 6p12.1.
Variant type: single nucleotide variant.
Coding change: c.2891A>G on transcript NM_001374736.1 (MANE Select); coding-DNA position 2891, A replaced by G.
Protein change: p.Glu964Gly; replaces glutamic acid 964 with glycine.
Molecular consequence: missense variant.
Genome position (GRCh38, 1-based): chr6:56,639,332, T>C on the plus strand (A>G on the coding strand, the complement: DST is on the minus strand). VCF-style: chr6-56639332-T-C. GRCh37 (hg19) VCF-style: chr6-56504130-T-C.
Other names: c.2792A>G, p.Glu931Gly (NM_001144769.5); c.2378A>G, p.Glu793Gly (NM_001144770.2); c.2891A>G, p.Glu964Gly (NM_001374722.1); c.2258A>G, p.Glu753Gly (NM_001374729.1, NM_001374730.1, NM_001386100.1 and 1 more transcripts); c.2918A>G, p.Glu973Gly (NM_001374734.1); c.1280A>G, p.Glu427Gly (NM_001723.7, NM_015548.5); short protein forms E793G, E753G, E973G, E427G, E931G, E964G.
Identifiers: ClinVar variation 1418176 (VCV001418176.9), dbSNP rs2152775848, ClinGen allele CA364577232.

ClinVar aggregate classification (germline): Uncertain significance. Review status: criteria provided, multiple submitters, no conflicts (2 of 4 stars). 2 submissions from 2 submitters: Uncertain significance (2). Last evaluated 2023-02-08.

Conditions:
Hereditary sensory and autonomic neuropathy type 6. Also called: Neuropathy, hereditary sensory and autonomic, type VI; HSAN VI. Identifiers: Orphanet 314381, MedGen C3539003, MONDO:0013839, OMIM 614653.
Epidermolysis bullosa simplex 3, localized or generalized intermediate, with BP230 deficiency (EBS3). Also called: Epidermolysis bullosa simplex, autosomal recessive 2; Epidermolysis bullosa simplex due to BP230 deficiency. Identifiers: Orphanet 412181, MedGen C3809470, MONDO:0014180, OMIM 615425.

gnomAD v4.1: 4 of 1,613,734 alleles (0.00025%); 1 homozygote.

Submissions (2):

Blueprint Genetics
Classification: Uncertain significance. Last evaluated: 2023-02-08. Review status: criteria provided, single submitter. Criteria: ACMG Guidelines, 2015. Collection method: clinical testing. Allele origin: germline.

Labcorp Genetics (formerly Invitae), Labcorp
Classification: Uncertain significance for Epidermolysis bullosa simplex 3, localized or generalized intermediate, with BP230 deficiency; Hereditary sensory and autonomic neuropathy type 6. Last evaluated: 2021-04-14. Review status: criteria provided, single submitter. Criteria: Invitae Variant Classification Sherloc (09022015). Collection method: clinical testing. Allele origin: germline.
Comment: This sequence change replaces glutamic acid with glycine at codon 427 of the DST protein (p.Glu427Gly). The glutamic acid residue is highly conserved and there is a moderate physicochemical difference between glutamic acid and glycine. In summary, the available evidence is currently insufficient to determine the role of this variant in disease. Therefore, it has been classified as a Variant of Uncertain Significance. Algorithms developed to predict the effect of missense changes on protein structure and function (SIFT, PolyPhen-2, Align-GVGD) all suggest that this variant is likely to be disruptive, but these predictions have not been confirmed by published functional studies and their clinical significance is uncertain. This variant has not been reported in the literature in individuals with DST-related conditions. This variant is not present in population databases (ExAC no frequency).